The following is an entry in ClinVar:

NM_002303.6(LEPR):c.1752+1G>A

Gene: LEPR (leptin receptor; plus strand). Cytogenetic location: 1p31.3.
Variant type: single nucleotide variant.
Coding change: c.1752+1G>A on transcript NM_002303.6 (MANE Select); the canonical splice donor site of the intron after coding-DNA position 1752, G replaced by A.
Molecular consequence: splice donor variant.
Genome position (GRCh38, 1-based): chr1:65,608,902, G>A. VCF-style: chr1-65608902-G-A. GRCh37 (hg19) VCF-style: chr1-66074585-G-A.
Other names: c.1752+1G>A (NM_001003679.3, NM_001003680.3, NM_001198689.2 and 2 more transcripts).
Identifiers: ClinVar variation 3242154 (VCV003242154.1), dbSNP rs866641122.

ClinVar aggregate classification (germline): Likely pathogenic (1 of 4 stars; one submission).

Conditions:
Obesity due to congenital leptin deficiency. Also called: Leptin deficiency or dysfunction. Identifiers: Orphanet 66628, MedGen C3554224, MONDO:0013991, OMIM 614962.

Allele frequency attached by ClinVar (database versions not stated): TOPMed 0.00001; gnomAD 0.00002.
gnomAD v4.1: 52 of 1,613,370 alleles (0.0032%); highest among the groups gnomAD compares: Non-Finnish European, 0.0042%; no homozygotes.

Submission:

Neuberg Centre For Genomic Medicine, NCGM
Classification: Likely pathogenic for Obesity due to congenital leptin deficiency. Review status: criteria provided, single submitter. Criteria: ACMG Guidelines, 2015. Collection method: clinical testing. Allele origin: germline. Inheritance: Autosomal recessive inheritance. Affected: yes.
Comment: The splice donor c.1752+1G>A variant in the LEPR gene has not been reported previously as a pathogenic variant nor as a benign variant, to our knowledge. This variant is reported with the allele frequency (0.001%) in the gnomAD Exomes. The variant affects the GT donor splice site downstream of exon 12. Loss of function variants have been previously reported to be disease causing.The spliceAI tool predicts the variant to be Benign. For these reasons, this variant has been classified as Likely Pathogenic.